The following is an entry in ClinVar:

NM_001291746.2(REL):c.889A>T (p.Thr297Ser)

Gene: REL (REL proto-oncogene, NF-kB subunit; plus strand). Cytogenetic location: 2p16.1.
Variant type: single nucleotide variant.
Coding change: c.889A>T on transcript NM_001291746.2 (MANE Select); coding-DNA position 889, A replaced by T.
Protein change: p.Thr297Ser; replaces threonine 297 with serine.
Molecular consequence: missense variant.
Genome position (GRCh38, 1-based): chr2:60,920,076, A>T. VCF-style: chr2-60920076-A-T. GRCh37 (hg19) VCF-style: chr2-61147211-A-T.
Other names: c.889A>T, p.Thr297Ser (NM_002908.4); short protein forms T297S.
Identifiers: ClinVar variation 1975174 (VCV001975174.5), dbSNP rs752112224, ClinGen allele CA1672338.
Genomic context (GRCh38, chr2:60,920,076, plus strand): 5'-GCTTTCCTGGTTTCTTTCTAATCAGATACTTACGGCAATAAAGCAAAGAAACAAAAGACA[A>T]CTCTGCTTTTCCAGAAACTGTGCCAGGATCACGGTAAGAATAGTTTGGATCGATTCATAT-3'
Protein context (NP_001278675.1, residues 287-307): YGNKAKKQKT[Thr297Ser]LLFQKLCQDH

ClinVar aggregate classification (germline): Uncertain significance (1 of 4 stars; one submission).

Allele frequency attached by ClinVar (database versions not stated): ExAC 0.00001.
gnomAD v4.1: 1 of 1,612,262 alleles (0.000062%); highest among the groups gnomAD compares: East Asian, 0.0022%; no homozygotes.

Submission:

Labcorp Genetics (formerly Invitae), Labcorp
Classification: Uncertain significance. Last evaluated: 2022-07-30. Review status: criteria provided, single submitter. Criteria: Invitae Variant Classification Sherloc (09022015). Collection method: clinical testing. Allele origin: germline.
Comment: This sequence change replaces threonine, which is neutral and polar, with serine, which is neutral and polar, at codon 297 of the REL protein (p.Thr297Ser). This variant is present in population databases (rs752112224, gnomAD 0.006%). This variant has not been reported in the literature in individuals affected with REL-related conditions. Algorithms developed to predict the effect of missense changes on protein structure and function output the following: SIFT: "Tolerated"; PolyPhen-2: "Benign"; Align-GVGD: "Class C0". The serine amino acid residue is found in multiple mammalian species, which suggests that this missense change does not adversely affect protein function. In summary, the available evidence is currently insufficient to determine the role of this variant in disease. Therefore, it has been classified as a Variant of Uncertain Significance.